The following is an entry in ClinVar:

NM_015189.3(EXOC6B):c.319G>C (p.Gly107Arg)

Gene: EXOC6B (exocyst complex component 6B; minus strand). Cytogenetic location: 2p13.2.
Variant type: single nucleotide variant.
Coding change: c.319G>C on transcript NM_015189.3 (MANE Select); coding-DNA position 319, G replaced by C.
Protein change: p.Gly107Arg; replaces glycine 107 with arginine.
Molecular consequence: missense variant. On other transcripts: 5 prime UTR variant (1), non-coding transcript variant (2).
Genome position (GRCh38, 1-based): chr2:72,733,079, C>G on the plus strand (G>C on the coding strand, the complement: EXOC6B is on the minus strand). VCF-style: chr2-72733079-C-G. GRCh37 (hg19) VCF-style: chr2-72960208-C-G.
Other names: c.319G>C, p.Gly107Arg (NM_001321729.2, NM_001321730.2, NM_001321731.2 and 1 more transcripts); c.-21G>C (NM_001321734.2); short protein forms G107R.
Identifiers: ClinVar variation 4698339 (VCV004698339.1).
Genomic context (GRCh38, chr2:72,733,079, plus strand): 5'-AGAGAGTGGCATGAAACAGAAAAGATTTCTTCAAAAGGTAAACTGGTCTTACTTCCTTTC[C>G]CTCATGTTGTAGTTTTCTATTAGTATCCGTCACTTGATTCTGTGGAGAGAAGACAATTTA-3'
Protein context (NP_056004.1, residues 97-117): TDTNRKLQHE[Gly107Arg]KELVIAMEEL

ClinVar aggregate classification (germline): Uncertain significance (1 of 4 stars; one submission).

gnomAD v4.1: 4 of 1,591,446 alleles (0.00025%); highest among the groups gnomAD compares: Non-Finnish European, 0.00034%; no homozygotes.

Submission:

Labcorp Genetics (formerly Invitae), Labcorp
Classification: Uncertain significance. Last evaluated: 2025-05-02. Review status: criteria provided, single submitter. Criteria: Invitae Variant Classification Sherloc (09022015). Collection method: clinical testing. Allele origin: germline.
Comment: This sequence change replaces glycine, which is neutral and non-polar, with arginine, which is basic and polar, at codon 107 of the EXOC6B protein (p.Gly107Arg). This variant is not present in population databases (gnomAD no frequency). This variant has not been reported in the literature in individuals affected with EXOC6B-related conditions. Experimental studies and prediction algorithms are not available or were not evaluated, and the functional significance of this variant is currently unknown. In summary, the available evidence is currently insufficient to determine the role of this variant in disease. Therefore, it has been classified as a Variant of Uncertain Significance.